The following is an entry in ClinVar:

ClinVar aggregate classification (germline): Uncertain significance (1 of 4 stars; one submission).

Submission:

Labcorp Genetics (formerly Invitae), Labcorp
Classification: Uncertain significance. Last evaluated: 2024-10-29. Review status: criteria provided, single submitter. Criteria: Invitae Variant Classification Sherloc (09022015). Collection method: clinical testing. Allele origin: germline.
Comment: This sequence change replaces arginine, which is basic and polar, with proline, which is neutral and non-polar, at codon 986 of the COL27A1 protein (p.Arg986Pro). This variant is not present in population databases (gnomAD no frequency). This variant has not been reported in the literature in individuals affected with COL27A1-related conditions. ClinVar contains an entry for this variant (Variation ID: 1941805). Invitae Evidence Modeling of protein sequence and biophysical properties (such as structural, functional, and spatial information, amino acid conservation, physicochemical variation, residue mobility, and thermodynamic stability) indicates that this missense variant is not expected to disrupt COL27A1 protein function with a negative predictive value of 80%. In summary, the available evidence is currently insufficient to determine the role of this variant in disease. Therefore, it has been classified as a Variant of Uncertain Significance.

NM_032888.4(COL27A1):c.2957G>C (p.Arg986Pro)

Gene: COL27A1 (collagen type XXVII alpha 1 chain; plus strand). Cytogenetic location: 9q32.
Variant type: single nucleotide variant.
Coding change: c.2957G>C on transcript NM_032888.4 (MANE Select); coding-DNA position 2957, G replaced by C.
Protein change: p.Arg986Pro; replaces arginine 986 with proline.
Molecular consequence: missense variant.
Genome position (GRCh38, 1-based): chr9:114,245,888, G>C. VCF-style: chr9-114245888-G-C. GRCh37 (hg19) VCF-style: chr9-117008168-G-C.
Other names: short protein forms R986P.
Identifiers: ClinVar variation 1941805 (VCV001941805.5), dbSNP rs781235729, ClinGen allele CA374592005.